The following is an entry in ClinVar:

ClinVar aggregate classification (germline): Uncertain significance (1 of 4 stars; one submission).

Allele frequency attached by ClinVar (database versions not stated): gnomAD 0.00001; TOPMed 0.00001.
gnomAD v4.1: 1 of 1,614,018 alleles (0.000062%); highest among the groups gnomAD compares: Non-Finnish European, 0.000085%; no homozygotes.

Submission:

Labcorp Genetics (formerly Invitae), Labcorp
Classification: Uncertain significance. Last evaluated: 2020-11-10. Review status: criteria provided, single submitter. Criteria: Invitae Variant Classification Sherloc (09022015). Collection method: clinical testing. Allele origin: germline.
Comment: Algorithms developed to predict the effect of missense changes on protein structure and function are either unavailable or do not agree on the potential impact of this missense change (SIFT: "Deleterious"; PolyPhen-2: "Possibly Damaging"; Align-GVGD: "Class C0"). In summary, the available evidence is currently insufficient to determine the role of this variant in disease. Therefore, it has been classified as a Variant of Uncertain Significance. This sequence change replaces serine with glycine at codon 141 of the EIF2AK3 protein (p.Ser141Gly). The serine residue is highly conserved and there is a small physicochemical difference between serine and glycine. This variant is not present in population databases (ExAC no frequency). This variant has not been reported in the literature in individuals with EIF2AK3-related conditions.

NM_004836.7(EIF2AK3):c.421A>G (p.Ser141Gly)

Gene: EIF2AK3 (eukaryotic translation initiation factor 2 alpha kinase 3; minus strand). Cytogenetic location: 2p11.2.
Variant type: single nucleotide variant.
Coding change: c.421A>G on transcript NM_004836.7 (MANE Select); coding-DNA position 421, A replaced by G.
Protein change: p.Ser141Gly; replaces serine 141 with glycine.
Molecular consequence: missense variant. On other transcripts: 5 prime UTR variant (1).
Genome position (GRCh38, 1-based): chr2:88,613,741, T>C on the plus strand (A>G on the coding strand, the complement: EIF2AK3 is on the minus strand). VCF-style: chr2-88613741-T-C. GRCh37 (hg19) VCF-style: chr2-88913259-T-C.
Other names: c.-33A>G (NM_001313915.2); short protein forms S141G.
Identifiers: ClinVar variation 1512254 (VCV001512254.8), dbSNP rs1675506960, ClinGen allele CA347762316.